The following is an entry in ClinVar:

ClinVar aggregate classification (germline): Uncertain significance. Review status: criteria provided, multiple submitters, no conflicts (2 of 4 stars). 3 submissions from 3 submitters: Uncertain significance (3). Last evaluated 2024-01-21.

Conditions:
Hereditary cancer-predisposing syndrome. Also called: Neoplastic Syndromes, Hereditary; Hereditary Cancer Syndrome; Hereditary neoplastic syndrome; Tumor predisposition. Identifiers: Orphanet 140162, MedGen C0027672, MeSH D009386, MONDO:0015356.
Familial cancer of breast. Also called: BREAST CANCER, FAMILIAL; Hereditary breast cancer; hereditary breast carcinoma. Identifiers: Orphanet 227535, MedGen C0346153, MONDO:0016419, OMIM 114480. Disease mechanism: loss of function.

Submissions (3):

Labcorp Genetics (formerly Invitae), Labcorp
Classification: Uncertain significance for Familial cancer of breast. Last evaluated: 2024-01-21. Review status: criteria provided, single submitter. Criteria: Invitae Variant Classification Sherloc (09022015). Collection method: clinical testing. Allele origin: germline.
Comment: This sequence change replaces isoleucine, which is neutral and non-polar, with phenylalanine, which is neutral and non-polar, at codon 288 of the CHEK2 protein (p.Ile288Phe). This variant is not present in population databases (gnomAD no frequency). This variant has not been reported in the literature in individuals affected with CHEK2-related conditions. ClinVar contains an entry for this variant (Variation ID: 460862). An algorithm developed to predict the effect of missense changes on protein structure and function (PolyPhen-2) suggests that this variant is likely to be disruptive. In summary, the available evidence is currently insufficient to determine the role of this variant in disease. Therefore, it has been classified as a Variant of Uncertain Significance.

GeneDx
Classification: Uncertain significance. Last evaluated: 2023-03-03. Review status: criteria provided, single submitter. Criteria: GeneDx Variant Classification Process June 2021. Collection method: clinical testing. Allele origin: germline. Affected: yes.
Comment: Not observed at significant frequency in large population cohorts (gnomAD); In silico analysis supports that this missense variant has a deleterious effect on protein structure/function; Has not been previously published as pathogenic or benign to our knowledge; This variant is associated with the following publications: (PMID: 19782031, 22419737)

Ambry Genetics
Classification: Uncertain significance for Hereditary cancer-predisposing syndrome. Last evaluated: 2019-02-22. Review status: criteria provided, single submitter. Criteria: Ambry Variant Classification Scheme 2023. Collection method: clinical testing. Allele origin: germline.
Comment: The p.I288F variant (also known as c.862A>T), located in coding exon 7 of the CHEK2 gene, results from an A to T substitution at nucleotide position 862. The isoleucine at codon 288 is replaced by phenylalanine, an amino acid with highly similar properties. This amino acid position is highly conserved in available vertebrate species. In addition, the in silico prediction for this alteration is inconclusive. Since supporting evidence is limited at this time, the clinical significance of this alteration remains unclear.

NM_007194.4(CHEK2):c.862A>T (p.Ile288Phe)

Gene: CHEK2 (checkpoint kinase 2; minus strand). Cytogenetic location: 22q12.1.
Variant type: single nucleotide variant.
Coding change: c.862A>T on transcript NM_007194.4 (MANE Select); coding-DNA position 862, A replaced by T.
Protein change: p.Ile288Phe; replaces isoleucine 288 with phenylalanine.
Molecular consequence: missense variant.
Genome position (GRCh38, 1-based): chr22:28,703,551, T>A on the plus strand (A>T on the coding strand, the complement: CHEK2 is on the minus strand). VCF-style: chr22-28703551-T-A. GRCh37 (hg19) VCF-style: chr22-29099539-T-A.
Other names: c.862A>T, p.Ile288Phe (NM_145862.3); c.991A>T, p.Ile331Phe (NM_001005735.3); c.199A>T, p.Ile67Phe (NM_001257387.3); c.661A>T, p.Ile221Phe (NM_001349956.3); short protein forms I288F, I67F, I221F, I331F.
Identifiers: ClinVar variation 460862 (VCV000460862.16), dbSNP rs1341939689, ClinGen allele CA411101250.
Genomic context (GRCh38, chr22:28,703,551, plus strand): 5'-AGTTTACTACTTACAATTCCAAAACAATATAATAATCTTCTGCATCAAAAAAGTTTTTAA[T>A]CTTGATGATGCAAGGCTAAGAAGAGGGGGAGAAAAAAGGGAAAGTAGTGAGAAACTCCCA-3'
Protein context (NP_009125.1, residues 278-298): KKLNHPCIIK[Ile288Phe]KNFFDAEDYY